The following is an entry in ClinVar:

ClinVar aggregate classification (germline): Uncertain significance (1 of 4 stars; one submission).

gnomAD v4.1: 31 of 1,614,090 alleles (0.0019%); highest among the groups gnomAD compares: Non-Finnish European, 0.0026%; no homozygotes.

Submission:

Labcorp Genetics (formerly Invitae), Labcorp
Classification: Uncertain significance. Last evaluated: 2022-11-23. Review status: criteria provided, single submitter. Criteria: Invitae Variant Classification Sherloc (09022015). Collection method: clinical testing. Allele origin: germline.
Comment: ClinVar contains an entry for this variant (Variation ID: 1417194). This variant has not been reported in the literature in individuals affected with MMP9-related conditions. This variant is present in population databases (no rsID available, gnomAD 0.002%). This sequence change replaces valine, which is neutral and non-polar, with phenylalanine, which is neutral and non-polar, at codon 348 of the MMP9 protein (p.Val348Phe). Advanced modeling of protein sequence and biophysical properties (such as structural, functional, and spatial information, amino acid conservation, physicochemical variation, residue mobility, and thermodynamic stability) performed at Invitae indicates that this missense variant is not expected to disrupt MMP9 protein function. In summary, the available evidence is currently insufficient to determine the role of this variant in disease. Therefore, it has been classified as a Variant of Uncertain Significance.

NM_004994.3(MMP9):c.1042G>T (p.Val348Phe)

Gene: MMP9 (matrix metallopeptidase 9; plus strand). Cytogenetic location: 20q13.12.
Variant type: single nucleotide variant.
Coding change: c.1042G>T on transcript NM_004994.3 (MANE Select); coding-DNA position 1042, G replaced by T.
Protein change: p.Val348Phe; replaces valine 348 with phenylalanine.
Molecular consequence: missense variant.
Genome position (GRCh38, 1-based): chr20:46,012,181, G>T. VCF-style: chr20-46012181-G-T. GRCh37 (hg19) VCF-style: chr20-44640820-G-T.
Other names: short protein forms V348F.
Identifiers: ClinVar variation 1417194 (VCV001417194.6), dbSNP rs1408103367, ClinGen allele CA409216723.